The following is an entry in ClinVar:

ClinVar aggregate classification (germline): Benign. Review status: criteria provided, multiple submitters, no conflicts (2 of 4 stars). 2 submissions from 2 submitters: Benign (2). Last evaluated 2018-01-13.

Conditions:
Roberts-SC phocomelia syndrome (RBS). Also called: LONG BONE DEFICIENCIES ASSOCIATED WITH CLEFT LIP-PALATE; Hypomelia hypotrichosis facial hemangioma syndrome; ESCO2 Spectrum Disorder; Pseudothalidomide syndrome; Appelt-Gerken-Lenz syndrome. Identifiers: Orphanet 3103, MedGen C0392475, MONDO:0100253, OMIM 268300.

Allele frequency attached by ClinVar (database versions not stated): gnomAD exomes 0.09876; gnomAD 0.15160 and 0.15532; TOPMed 0.16089; 1000 Genomes Project 30x 0.21362; 1000 Genomes Project 0.21905.
gnomAD v4.1: 111,345 of 1,030,734 alleles (11%); highest among the groups gnomAD compares: East Asian, 36%; 7,371 homozygotes.

Submissions (2):

Illumina Laboratory Services, Illumina
Classification: Benign for Roberts-SC phocomelia syndrome. Last evaluated: 2018-01-13. Review status: criteria provided, single submitter. Criteria: ICSL Variant Classification Criteria 13 December 2019. Collection method: clinical testing. Allele origin: germline.
Comment: This variant was observed in the ICSL laboratory as part of a predisposition screen in an ostensibly healthy population. It had not been previously curated by ICSL or reported in the Human Gene Mutation Database (HGMD: prior to June 1st, 2018), and was therefore a candidate for classification through an automated scoring system. Utilizing variant allele frequency, disease prevalence and penetrance estimates, and inheritance mode, an automated score was calculated to assess if this variant is too frequent to cause the disease. Based on the score and internal cut-off values, a variant classified as benign is not then subjected to further curation. The score for this variant resulted in a classification of benign for this disease.

Breakthrough Genomics
Classification: Benign. Review status: criteria provided, single submitter. Criteria: ACMG Guidelines, 2015. Collection method: not provided. Allele origin: germline. Inheritance: Autosomal recessive inheritance. Affected: yes.

NM_001017420.3(ESCO2):c.*363C>A

Gene: ESCO2 (establishment of sister chromatid cohesion N-acetyltransferase 2; plus strand). Cytogenetic location: 8p21.1.
Variant type: single nucleotide variant.
Coding change: c.*363C>A on transcript NM_001017420.3 (MANE Select); 363 bases downstream of the stop codon, C replaced by A.
Molecular consequence: 3 prime UTR variant.
Genome position (GRCh38, 1-based): chr8:27,803,801, C>A. VCF-style: chr8-27803801-C-A. GRCh37 (hg19) VCF-style: chr8-27661318-C-A.
Identifiers: ClinVar variation 362763 (VCV000362763.6), dbSNP rs72609983, ClinGen allele CA10630825.